The following is an entry in ClinVar:

NM_001376.5(DYNC1H1):c.6464C>T (p.Pro2155Leu)

Gene: DYNC1H1 (dynein cytoplasmic 1 heavy chain 1; plus strand). Cytogenetic location: 14q32.31.
Variant type: single nucleotide variant.
Coding change: c.6464C>T on transcript NM_001376.5 (MANE Select); coding-DNA position 6464, C replaced by T.
Protein change: p.Pro2155Leu; replaces proline 2155 with leucine.
Molecular consequence: missense variant.
Genome position (GRCh38, 1-based): chr14:102,010,798, C>T. VCF-style: chr14-102010798-C-T. GRCh37 (hg19) VCF-style: chr14-102477135-C-T.
Other names: c.6464C>T (NM_001376.4); short protein forms P2155L.
Identifiers: ClinVar variation 1387783 (VCV001387783.7), dbSNP rs1390255004, ClinGen allele CA391055485.

ClinVar aggregate classification (germline): Uncertain significance. Review status: criteria provided, multiple submitters, no conflicts (2 of 4 stars). 2 submissions from 2 submitters: Uncertain significance (2). Last evaluated 2025-10-24.

Conditions:
Charcot-Marie-Tooth disease axonal type 2O. Also called: Charcot-Marie-Tooth disease, axonal, type 20; Charcot-Marie-Tooth Neuropathy Type 2O; CHARCOT-MARIE-TOOTH NEUROPATHY, AXONAL, TYPE 2O; CHARCOT-MARIE-TOOTH DISEASE, AXONAL, AUTOSOMAL DOMINANT, TYPE 2O. Identifiers: Orphanet 284232, MedGen C3280220, MONDO:0013644, OMIM 614228.
DYNC1H1-related disorder. Also called: DYNC1H1-related condition; DYNC1H1-related disorders. Identifiers: MedGen CN381529.

Allele frequency attached by ClinVar (database versions not stated): gnomAD exomes below 0.00001.
gnomAD v4.1: 1 of 1,613,980 alleles (0.000062%); highest among the groups gnomAD compares: Admixed American, 0.0017%; no homozygotes.

Submissions (2):

PreventionGenetics, part of Exact Sciences
Classification: Uncertain significance for DYNC1H1-related condition. Last evaluated: 2025-10-24. Review status: criteria provided, single submitter. Criteria: ACMG Guidelines, 2015. Collection method: clinical testing. Allele origin: germline.
Comment: The DYNC1H1 c.6464C>T variant is predicted to result in the amino acid substitution p.Pro2155Leu. To our knowledge, this variant has not been reported in the literature. This variant is reported in 0.0029% of alleles in individuals of Latino descent in gnomAD. At this time, the clinical significance of this variant is uncertain due to the absence of conclusive functional and genetic evidence.

Labcorp Genetics (formerly Invitae), Labcorp
Classification: Uncertain significance for Charcot-Marie-Tooth disease axonal type 2O. Last evaluated: 2021-11-22. Review status: criteria provided, single submitter. Criteria: Invitae Variant Classification Sherloc (09022015). Collection method: clinical testing. Allele origin: germline.
Comment: This sequence change replaces proline, which is neutral and non-polar, with leucine, which is neutral and non-polar, at codon 2155 of the DYNC1H1 protein (p.Pro2155Leu). This variant is present in population databases (no rsID available, gnomAD 0.003%). This variant has not been reported in the literature in individuals affected with DYNC1H1-related conditions. Algorithms developed to predict the effect of missense changes on protein structure and function are either unavailable or do not agree on the potential impact of this missense change (SIFT: "Deleterious"; PolyPhen-2: "Benign"; Align-GVGD: "Class C35"). In summary, the available evidence is currently insufficient to determine the role of this variant in disease. Therefore, it has been classified as a Variant of Uncertain Significance.